The following is an entry in ClinVar:

ClinVar aggregate classification (germline): Uncertain significance (1 of 4 stars; one submission).

Conditions:
Neuropathy, hereditary sensory, type 1F. Also called: HSN IF; Hereditary sensory neuropathy type IF. Identifiers: Orphanet 36386, MedGen C3810194, MONDO:0014286, OMIM 615632.

gnomAD v4.1: 11 of 1,613,320 alleles (0.00068%); highest among the groups gnomAD compares: Non-Finnish European, 0.00093%; no homozygotes.

Submission:

Labcorp Genetics (formerly Invitae), Labcorp
Classification: Uncertain significance for Neuropathy, hereditary sensory, type 1F. Last evaluated: 2024-02-02. Review status: criteria provided, single submitter. Criteria: Invitae Variant Classification Sherloc (09022015). Collection method: clinical testing. Allele origin: germline.
Comment: This sequence change replaces isoleucine, which is neutral and non-polar, with valine, which is neutral and non-polar, at codon 503 of the ATL3 protein (p.Ile503Val). This variant is not present in population databases (gnomAD no frequency). This variant has not been reported in the literature in individuals affected with ATL3-related conditions. An algorithm developed to predict the effect of missense changes on protein structure and function (PolyPhen-2) suggests that this variant is likely to be disruptive. In summary, the available evidence is currently insufficient to determine the role of this variant in disease. Therefore, it has been classified as a Variant of Uncertain Significance.

NM_015459.5(ATL3):c.1507A>G (p.Ile503Val)

Genes: ATL3 (atlastin GTPase 3; minus strand), LNCROPM (lncRNA regulator of PLAAT3 mediated phospholipid metabolism; plus strand). Cytogenetic location: 11q13.1.
Variant type: single nucleotide variant.
Coding change: c.1507A>G on transcript NM_015459.5 (MANE Select); coding-DNA position 1507, A replaced by G.
Protein change: p.Ile503Val; replaces isoleucine 503 with valine.
Molecular consequence: missense variant.
Genome position (GRCh38, 1-based): chr11:63,631,072, T>C on the plus strand (A>G on the coding strand, the complement: ATL3 is on the minus strand). VCF-style: chr11-63631072-T-C. GRCh37 (hg19) VCF-style: chr11-63398544-T-C.
Other names: c.1453A>G, p.Ile485Val (NM_001290048.2); short protein forms I503V, I485V.
Identifiers: ClinVar variation 3704750 (VCV003704750.2).